The following is an entry in ClinVar:

ClinVar aggregate classification (germline): Conflicting classifications of pathogenicity. Review status: criteria provided, conflicting classifications (1 of 4 stars). 3 submissions from 3 submitters: Uncertain significance (2); Benign (1). Last evaluated 2025-07-17.

Conditions:
Hereditary cancer-predisposing syndrome. Also called: Neoplastic Syndromes, Hereditary; Hereditary Cancer Syndrome; Tumor predisposition; Hereditary neoplastic syndrome. Identifiers: Orphanet 140162, MedGen C0027672, MeSH D009386, MONDO:0015356.
Tuberous sclerosis 2 (TSC2). Identifiers: Orphanet 805, MedGen C1860707, MONDO:0013199, OMIM 613254.
Tuberous sclerosis syndrome (TSC). Also called: Tuberous sclerosis; Tuberous Sclerosis Complex. Identifiers: Orphanet 805, MedGen C0041341, MONDO:0001734.

Allele frequency attached by ClinVar (database versions not stated): gnomAD exomes below 0.00001; ExAC 0.00001.
gnomAD v4.1: 1 of 1,612,898 alleles (0.000062%); highest among the groups gnomAD compares: Non-Finnish European, 0.000085%; no homozygotes.

Submissions (3):

Ambry Genetics
Classification: Uncertain significance for Hereditary cancer-predisposing syndrome. Last evaluated: 2025-07-17. Review status: criteria provided, single submitter. Criteria: Ambry Variant Classification Scheme 2023. Collection method: clinical testing. Allele origin: germline.
Comment: The p.K1585R variant (also known as c.4754A>G), located in coding exon 36 of the TSC2 gene, results from an A to G substitution at nucleotide position 4754. The lysine at codon 1585 is replaced by arginine, an amino acid with highly similar properties. This amino acid position is highly conserved in available vertebrate species. In addition, this alteration is predicted to be deleterious by in silico analysis. Based on the available evidence, the clinical significance of this variant remains unclear.

Labcorp Genetics (formerly Invitae), Labcorp
Classification: Benign for Tuberous sclerosis 2. Last evaluated: 2024-05-26. Review status: criteria provided, single submitter. Criteria: Invitae Variant Classification Sherloc (09022015). Collection method: clinical testing. Allele origin: germline.

All of Us Research Program, National Institutes of Health
Classification: Uncertain significance for Tuberous sclerosis syndrome. Last evaluated: 2023-06-26. Review status: criteria provided, single submitter. Criteria: ACMG Guidelines, 2015. Collection method: clinical testing. Allele origin: germline. Inheritance: Autosomal dominant inheritance. Observed: 1 variant allele, 1 heterozygote.
Comment: This missense variant replaces lysine with arginine at codon 1585 of the TSC2 protein. Computational prediction suggests that this variant may have deleterious impact on protein structure and function (internally defined REVEL score threshold >= 0.7, PMID: 27666373). To our knowledge, functional studies have not been reported for this variant. This variant has not been reported in individuals affected with TSC2-related disorders in the literature. This variant has been identified in 1/249928 chromosomes in the general population by the Genome Aggregation Database (gnomAD). The available evidence is insufficient to determine the role of this variant in disease conclusively. Therefore, this variant is classified as a Variant of Uncertain Significance.

This study involves interpretation of variants in research participants for the purpose of population health screening. Participant phenotype was not available at the time of variant classification. Additional details can be found in publication PMID: 35346344, PMCID: PMC8962531

NM_000548.5(TSC2):c.4754A>G (p.Lys1585Arg)

Gene: TSC2 (TSC complex subunit 2; plus strand). Cytogenetic location: 16p13.3.
Variant type: single nucleotide variant.
Coding change: c.4754A>G on transcript NM_000548.5 (MANE Select); coding-DNA position 4754, A replaced by G.
Protein change: p.Lys1585Arg; replaces lysine 1585 with arginine.
Molecular consequence: missense variant. On other transcripts: non-coding transcript variant (5).
Genome position (GRCh38, 1-based): chr16:2,086,284, A>G. VCF-style: chr16-2086284-A-G. GRCh37 (hg19) VCF-style: chr16-2136285-A-G.
Other names: c.4676A>G, p.Lys1559Arg (NM_001406665.1); c.4646A>G, p.Lys1549Arg (NM_001406667.1); c.4643A>G, p.Lys1548Arg (NM_001406668.1); c.4574A>G, p.Lys1525Arg (NM_001406670.1); c.4544A>G, p.Lys1515Arg (NM_001406671.1); c.4541A>G, p.Lys1514Arg (NM_001406673.1); c.4538A>G, p.Lys1513Arg (NM_001406675.1); c.4535A>G, p.Lys1512Arg (NM_001406676.1); and 26 more; short protein forms K1070R, K1093R, K1481R, K1482R, K1499R, K1512R, K1525R, K1529R.
Identifiers: ClinVar variation 2564627 (VCV002564627.7), dbSNP rs780758839, ClinGen allele CA052417.
Genomic context (GRCh38, chr16:2,086,284, plus strand): 5'-AGCATGGCTCCTACAGGTACACGGAGTTCCTGACGGGCCTGGGCCGGCTCATCGAGCTGA[A>G]GGACTGCCAGCCGGACAAGGTGTACCTGGGAGGCCTGGACGTGTGTGGTGAGGACGGCCA-3'
Protein context (NP_000539.2, residues 1575-1595): LTGLGRLIEL[Lys1585Arg]DCQPDKVYLG